The following is an entry in ClinVar:

NM_197968.4(ZMYM2):c.2997A>G (p.Pro999=)

Gene: ZMYM2 (zinc finger MYM-type containing 2; plus strand). Cytogenetic location: 13q12.11.
Variant type: single nucleotide variant.
Coding change: c.2997A>G on transcript NM_197968.4 (MANE Select); coding-DNA position 2997, A replaced by G.
Protein change: p.Pro999=; no amino-acid change (proline 999 retained).
Molecular consequence: synonymous variant. On other transcripts: non-coding transcript variant (1).
Genome position (GRCh38, 1-based): chr13:20,062,931, A>G. VCF-style: chr13-20062931-A-G. GRCh37 (hg19) VCF-style: chr13-20637071-A-G.
Other names: c.2997A>G, p.Pro999= (NM_001190964.4, NM_001190965.4, NM_001353157.2 and 5 more transcripts); c.2802A>G, p.Pro934= (NM_001353161.3); c.2736A>G, p.Pro912= (NM_001353163.2).
Identifiers: ClinVar variation 3049832 (VCV003049832.15), dbSNP rs185714432, ClinGen allele CA6903746.

ClinVar aggregate classification (germline): Likely benign. Review status: criteria provided, single submitter (1 of 4 stars). 2 submissions from 2 submitters: Likely benign (1). 1 of the submissions does not count toward it. Last evaluated 2026-04-01.

Conditions:
ZMYM2-related disorder. Also called: ZMYM2-related condition.

Allele frequency attached by ClinVar (database versions not stated): 1000 Genomes Project 30x 0.00109; gnomAD 0.00113; 1000 Genomes Project 0.00120; gnomAD exomes 0.00129; TOPMed 0.00130; ESP Exome Variant Server 0.00193; ExAC 0.00226.
gnomAD v4.1: 2,084 of 1,604,698 alleles (0.13%); highest among the groups gnomAD compares: Middle Eastern, 0.59%; 4 homozygotes.

Submissions (2):

CeGaT Center for Human Genetics Tuebingen
Classification: Likely benign. Last evaluated: 2026-04-01. Review status: criteria provided, single submitter. Criteria: CeGaT Center For Human Genetics Tuebingen Variant Classification Criteria Version 2. Collection method: clinical testing. Allele origin: germline. Affected: yes. Observed: 3 variant alleles.
Comment: ZMYM2: BP4, BP7

PreventionGenetics, part of Exact Sciences
Classification: Likely benign for ZMYM2-related condition. Last evaluated: 2024-06-25. Review status: no assertion criteria provided. Collection method: clinical testing. Allele origin: germline. Not counted in ClinVar's aggregate classification.
Comment: This variant is classified as likely benign based on ACMG/AMP sequence variant interpretation guidelines (Richards et al. 2015 PMID: 25741868, with internal and published modifications).